The following is an entry in ClinVar:

ClinVar aggregate classification (germline): Pathogenic (1 of 4 stars; one submission).

Conditions:
Multiple endocrine neoplasia, type 2 (MEN2). Identifiers: Orphanet 653, MedGen C4048306, MONDO:0019003. Disease mechanism: gain of function.

Submission:

Labcorp Genetics (formerly Invitae), Labcorp
Classification: Pathogenic for Multiple endocrine neoplasia, type 2. Last evaluated: 2020-08-04. Review status: criteria provided, single submitter. Criteria: Invitae Variant Classification Sherloc (09022015). Collection method: clinical testing. Allele origin: germline.
Comment: Loss-of-function variants in RET are known to be pathogenic (PMID: 22174939, 22648184). For these reasons, this variant has been classified as Pathogenic. This sequence change creates a premature translational stop signal (p.Pro384Glnfs*29) in the RET gene. It is expected to result in an absent or disrupted protein product. This variant is not present in population databases (ExAC no frequency). This variant has not been reported in the literature in individuals with RET-related conditions.

Literature cited by the submitters: PubMed 22174939; PubMed 22648184.

NM_020975.6(RET):c.1151del (p.Pro384fs)

Gene: RET (ret proto-oncogene; plus strand). Cytogenetic location: 10q11.21.
Variant type: Deletion.
Coding change: c.1151del on transcript NM_020975.6 (MANE Select); coding-DNA position 1151, one base deleted (C; older notation c.1151delC).
Protein change: p.Pro384fs; shifts the reading frame from proline 384.
Molecular consequence: frameshift variant.
Genome position (GRCh38, 1-based): chr10:43,109,118, C deleted; the last of 3 consecutive C bases (chr10:43,109,116-43,109,118); deleting any one gives the same sequence. VCF-style (leftmost placement, unchanged base first): chr10-43109115-GC-G. GRCh37 (hg19) VCF-style: chr10-43604563-GC-G.
Other names: c.1151delC, p.Pro384Glnfs (NM_000323.2, NM_001406743.1, NM_001406744.1 and 7 more transcripts); c.389delC, p.Pro130Glnfs (NM_001355216.2); c.1022delC, p.Pro341Glnfs (NM_001406761.1, NM_001406762.1, NM_001406764.1 and 1 more transcripts); c.863delC, p.Pro288Glnfs (NM_001406766.1, NM_001406767.1, NM_001406770.1); c.713delC, p.Pro238Glnfs (NM_001406771.1, NM_001406773.1); c.425delC, p.Pro142Glnfs (NM_001406775.1, NM_001406776.1, NM_001406777.1 and 1 more transcripts); c.161delC, p.Pro54Glnfs (NM_001406784.1); short protein forms P130fs, P384fs.
Identifiers: ClinVar variation 969297 (VCV000969297.9), dbSNP rs1837854100, ClinGen allele CA1139661425.